The following is an entry in ClinVar:

NM_000492.4(CFTR):c.2130A>C (p.Lys710Asn)

Gene: CFTR (CF transmembrane conductance regulator; plus strand). Cytogenetic location: 7q31.2.
Variant type: single nucleotide variant.
Coding change: c.2130A>C on transcript NM_000492.4 (MANE Select); coding-DNA position 2130, A replaced by C.
Protein change: p.Lys710Asn; replaces lysine 710 with asparagine.
Molecular consequence: missense variant.
Genome position (GRCh38, 1-based): chr7:117,592,297, A>C. VCF-style: chr7-117592297-A-C. GRCh37 (hg19) VCF-style: chr7-117232351-A-C.
Other names: short protein forms K710N.
Identifiers: ClinVar variation 1163472 (VCV001163472.7), dbSNP rs1792042277, ClinGen allele CA368979899.

ClinVar aggregate classification (germline): Uncertain significance. Review status: criteria provided, multiple submitters, no conflicts (2 of 4 stars). 2 submissions from 2 submitters: Uncertain significance (2). Last evaluated 2025-03-15.

Conditions:
Cystic fibrosis (CF). Also called: MUCOVISCIDOSIS. Identifiers: Orphanet 586, MedGen C0010674, MONDO:0009061, OMIM 219700. Disease mechanism: loss of function.

Allele frequency attached by ClinVar (database versions not stated): gnomAD exomes below 0.00001; gnomAD 0.00001; TOPMed below 0.00001.
gnomAD v4.1: 2 of 1,613,938 alleles (0.00012%); highest among the groups gnomAD compares: Non-Finnish European, 0.00017%; no homozygotes.

Submissions (2):

Ambry Genetics
Classification: Uncertain significance for Cystic fibrosis. Last evaluated: 2025-03-15. Review status: criteria provided, single submitter. Criteria: Ambry Variant Classification Scheme 2023. Collection method: clinical testing. Allele origin: germline.
Comment: The p.K710N variant (also known as c.2130A>C), located in coding exon 14 of the CFTR gene, results from an A to C substitution at nucleotide position 2130. The lysine at codon 710 is replaced by asparagine, an amino acid with similar properties. This amino acid position is conserved. In addition, the in silico prediction for this alteration is inconclusive. Since supporting evidence is limited at this time, the clinical significance of this alteration remains unclear.

Mayo Clinic Laboratories, Mayo Clinic
Classification: Uncertain significance. Last evaluated: 2019-09-30. Review status: criteria provided, single submitter. Criteria: ACMG Guidelines, 2015. Collection method: clinical testing. Allele origin: germline. Observed: 1 variant allele.